The following is an entry in ClinVar:

NM_017654.4(SAMD9):c.71A>G (p.Glu24Gly)

Gene: SAMD9 (sterile alpha motif domain containing 9; minus strand). Cytogenetic location: 7q21.2.
Variant type: single nucleotide variant.
Coding change: c.71A>G on transcript NM_017654.4 (MANE Select); coding-DNA position 71, A replaced by G.
Protein change: p.Glu24Gly; replaces glutamic acid 24 with glycine.
Molecular consequence: missense variant.
Genome position (GRCh38, 1-based): chr7:93,106,027, T>C on the plus strand (A>G on the coding strand, the complement: SAMD9 is on the minus strand). VCF-style: chr7-93106027-T-C. GRCh37 (hg19) VCF-style: chr7-92735340-T-C.
Other names: c.71A>G, p.Glu24Gly (NM_001193307.2); short protein forms E24G.
Identifiers: ClinVar variation 4159145 (VCV004159145.1).

ClinVar aggregate classification (germline): Uncertain significance (1 of 4 stars; one submission).

Conditions:
Inborn genetic diseases. Identifiers: MedGen C0950123, MeSH D030342.

Submission:

Ambry Genetics
Classification: Uncertain significance for Inborn genetic diseases. Last evaluated: 2025-08-10. Review status: criteria provided, single submitter. Criteria: Ambry Variant Classification Scheme 2023. Collection method: clinical testing. Allele origin: germline.
Comment: The p.E24G variant (also known as c.71A>G), located in coding exon 1 of the SAMD9 gene, results from an A to G substitution at nucleotide position 71. The glutamic acid at codon 24 is replaced by glycine, an amino acid with similar properties. This amino acid position is conserved. In addition, this alteration is predicted to be tolerated by in silico analysis. Based on the available evidence, the clinical significance of this variant remains unclear.